The following is an entry in ClinVar:

NM_015338.6(ASXL1):c.3637_3640del (p.Leu1213fs)

Gene: ASXL1 (ASXL transcriptional regulator 1; plus strand). Cytogenetic location: 20q11.21.
Variant type: Microsatellite.
Coding change: c.3637_3640del on transcript NM_015338.6 (MANE Select); coding-DNA positions 3637 to 3640, 4 bases deleted (CTCC; older notation c.3637_3640delCTCC).
Protein change: p.Leu1213fs; shifts the reading frame from leucine 1213.
Molecular consequence: frameshift variant.
Genome position (GRCh38, 1-based): chr20:32,436,349-32,436,352, CTCC deleted; deleting any 4 consecutive bases within chr20:32,436,345-32,436,352 gives the same sequence; the c. name uses the placement nearest the transcript's 3' end. VCF-style (leftmost placement, unchanged base first): chr20-32436344-ACTCC-A. GRCh37 (hg19) VCF-style: chr20-31024147-ACTCC-A.
Other names: c.3637_3640delCTCC (NM_015338.5); c.3454_3457del, p.Leu1152fs (NM_001363734.1); c.3637_3640del (NM_015338.5); short protein forms L1213fs, L1152fs.
Identifiers: ClinVar variation 524036 (VCV000524036.6), dbSNP rs1555912648, ClinGen allele CA645612969.

ClinVar aggregate classification (germline): Pathogenic. Review status: criteria provided, multiple submitters, no conflicts (2 of 4 stars). 3 submissions from 3 submitters: Pathogenic (2). 1 of the submissions does not count toward it. Last evaluated 2024-09-30.

Conditions:
ASXL1-related disorder. Also called: ASXL1-related condition; ASXL1-related disorders.

Submissions (3):

GeneDx
Classification: Pathogenic. Last evaluated: 2024-09-30. Review status: criteria provided, single submitter. Criteria: GeneDx Variant Classification Process June 2021. Collection method: clinical testing. Allele origin: germline. Affected: yes.
Comment: Frameshift variant predicted to result in abnormal protein length as the last 329 amino acids are replaced with 2 different amino acids, and other similar variants have been reported in HGMD; Not observed at significant frequency in large population cohorts (gnomAD); Has not been previously published as pathogenic or benign to our knowledge

Institute of Medical Genetics and Applied Genomics, University Hospital Tübingen
Classification: Pathogenic. Last evaluated: 2020-10-23. Review status: criteria provided, single submitter. Criteria: ACMG Guidelines, 2015. Collection method: clinical testing. Allele origin: germline. Inheritance: Unknown mechanism. Affected: yes.

PreventionGenetics, part of Exact Sciences
Classification: Likely pathogenic for ASXL1-related condition. Last evaluated: 2024-05-02. Review status: no assertion criteria provided. Collection method: clinical testing. Allele origin: germline. Not counted in ClinVar's aggregate classification.
Comment: The ASXL1 c.3637_3640delCTCC variant is predicted to result in a frameshift and premature protein termination (p.Leu1213Ilefs*3). To our knowledge, this variant has not been reported in the literature in individuals with ASXL1-related disorders. This variant has not been reported in a large population database, indicating this variant is rare. Frameshift variants in ASXL1 are expected to be pathogenic. This variant is interpreted as likely pathogenic.